The following is an entry in ClinVar:

NM_001349253.2(SCN11A):c.742C>T (p.Arg248Cys)

Gene: SCN11A (sodium voltage-gated channel alpha subunit 11; minus strand). Cytogenetic location: 3p22.2.
Variant type: single nucleotide variant.
Coding change: c.742C>T on transcript NM_001349253.2 (MANE Select); coding-DNA position 742, C replaced by T.
Protein change: p.Arg248Cys; replaces arginine 248 with cysteine.
Molecular consequence: missense variant.
Genome position (GRCh38, 1-based): chr3:38,921,226, G>A on the plus strand (C>T on the coding strand, the complement: SCN11A is on the minus strand). VCF-style: chr3-38921226-G-A. GRCh37 (hg19) VCF-style: chr3-38962717-G-A.
Other names: c.742C>T, p.Arg248Cys (NM_014139.3); short protein forms R248C.
Identifiers: ClinVar variation 474755 (VCV000474755.10), dbSNP rs764550088, ClinGen allele CA2322519.

ClinVar aggregate classification (germline): Uncertain significance. Review status: criteria provided, multiple submitters, no conflicts (2 of 4 stars). 2 submissions from 2 submitters: Uncertain significance (2). Last evaluated 2025-12-01.

Conditions:
Hereditary sensory and autonomic neuropathy type 7. Also called: Neuropathy, hereditary sensory and autonomic, type VII; HSAN VII. Identifiers: Orphanet 391397, MedGen C3809882, MONDO:0014244, OMIM 615548.
Familial episodic pain syndrome with predominantly lower limb involvement. Also called: Episodic pain syndrome, familial, 3. Identifiers: Orphanet 391384, Orphanet 391392, MedGen C3809899, MONDO:0014247, OMIM 615552.
Inborn genetic diseases. Identifiers: MedGen C0950123, MeSH D030342.

Allele frequency attached by ClinVar (database versions not stated): gnomAD 0.00002; TOPMed 0.00003; gnomAD exomes 0.00004; ExAC 0.00005.
gnomAD v4.1: 72 of 1,613,914 alleles (0.0045%); highest among the groups gnomAD compares: East Asian, 0.022%; no homozygotes.

Submissions (2):

Labcorp Genetics (formerly Invitae), Labcorp
Classification: Uncertain significance for Familial episodic pain syndrome with predominantly lower limb involvement; Hereditary sensory and autonomic neuropathy type 7. Last evaluated: 2025-12-01. Review status: criteria provided, single submitter. Criteria: Invitae Variant Classification Sherloc (09022015). Collection method: clinical testing. Allele origin: germline.
Comment: This sequence change replaces arginine, which is basic and polar, with cysteine, which is neutral and slightly polar, at codon 248 of the SCN11A protein (p.Arg248Cys). This variant is present in population databases (rs764550088, gnomAD 0.01%). This missense change has been observed in individual(s) with clinical features of hereditary sensory neuropathy (internal data). ClinVar contains an entry for this variant (Variation ID: 474755). Invitae Evidence Modeling of protein sequence and biophysical properties (such as structural, functional, and spatial information, amino acid conservation, physicochemical variation, residue mobility, and thermodynamic stability) indicates that this missense variant is expected to disrupt SCN11A protein function with a positive predictive value of 80%. In summary, the available evidence is currently insufficient to determine the role of this variant in disease. Therefore, it has been classified as a Variant of Uncertain Significance.

Ambry Genetics
Classification: Uncertain significance for Inborn genetic diseases. Last evaluated: 2025-03-23. Review status: criteria provided, single submitter. Criteria: Ambry Variant Classification Scheme 2023. Collection method: clinical testing. Allele origin: germline.
Comment: The c.742C>T (p.R248C) alteration is located in exon 6 (coding exon 6) of the SCN11A gene. This alteration results from a C to T substitution at nucleotide position 742, causing the arginine (R) at amino acid position 248 to be replaced by a cysteine (C). The heterozygous missense change is ultra rare in population databases: Based on data from the Genome Aggregation Database (gnomAD), the SCN11A c.742C>T alteration was observed 0.004% (12/282,018) total alleles studied. The altered amino acid is conserved throughout evolution: The p.R248 amino acid is well conserved in available mammalian species, but is not conserved in other types of vertebrate species. In silico prediction is conflicting: The p.R248C alteration is predicted to be probably damaging by Polyphen and tolerated by SIFT in silico analyses. Based on insufficient or conflicting evidence, the clinical significance of this alteration remains unclear.